The following is an entry in ClinVar:

ClinVar aggregate classification (germline): Likely benign. Review status: criteria provided, multiple submitters, no conflicts (2 of 4 stars). 2 submissions from 2 submitters: Likely benign (2). Last evaluated 2026-01-25.

Conditions:
Aortic aneurysm, familial thoracic 4 (AAT4). Also called: AORTIC ANEURYSM/AORTIC DISSECTION AND PATENT DUCTUS ARTERIOSUS. Identifiers: MedGen C1851504, MONDO:0007568, OMIM 132900.

Allele frequency attached by ClinVar (database versions not stated): ExAC 0.00001; TOPMed 0.00002; gnomAD 0.00003 and 0.00004; gnomAD exomes 0.00003 and 0.00004.
gnomAD v4.1: 66 of 1,614,014 alleles (0.0041%); highest among the groups gnomAD compares: Non-Finnish European, 0.0052%; no homozygotes.

Submissions (2):

Labcorp Genetics (formerly Invitae), Labcorp
Classification: Likely benign for Aortic aneurysm, familial thoracic 4. Last evaluated: 2026-01-25. Review status: criteria provided, single submitter. Criteria: Invitae Variant Classification Sherloc (09022015). Collection method: clinical testing. Allele origin: germline.

GeneDx
Classification: Likely benign. Last evaluated: 2017-10-25. Review status: criteria provided, single submitter. Criteria: GeneDx Variant Classification (06012015). Collection method: clinical testing. Allele origin: germline. Affected: yes.
Comment: This variant is considered likely benign or benign based on one or more of the following criteria: it is a conservative change, it occurs at a poorly conserved position in the protein, it is predicted to be benign by multiple in silico algorithms, and/or has population frequency not consistent with disease.

NM_002474.3(MYH11):c.1575+17C>T

Gene: MYH11 (myosin heavy chain 11; minus strand). Cytogenetic location: 16p13.11.
Variant type: single nucleotide variant.
Coding change: c.1575+17C>T on transcript NM_002474.3 (MANE Select); 17 bases into the intron after coding-DNA position 1575, C replaced by T.
Molecular consequence: intron variant.
Genome position (GRCh38, 1-based): chr16:15,757,810, G>A on the plus strand (C>T on the coding strand, the complement: MYH11 is on the minus strand). VCF-style: chr16-15757810-G-A. GRCh37 (hg19) VCF-style: chr16-15851667-G-A.
Other names: c.1575+17C>T (NM_022844.3); c.1596+17C>T (NM_001040114.2, NM_001040113.2).
Identifiers: ClinVar variation 385099 (VCV000385099.8), dbSNP rs201890998, ClinGen allele CA7922582.